The following is an entry in ClinVar:

ClinVar aggregate classification (germline): Benign/Likely benign. Review status: criteria provided, multiple submitters, no conflicts (2 of 4 stars). 8 submissions from 7 submitters: Benign (7); Likely benign (1). Last evaluated 2026-05-11.

Conditions:
Otospondylomegaepiphyseal dysplasia, autosomal recessive (OSMEDB). Also called: CHONDRODYSTROPHY WITH SENSORINEURAL DEAFNESS; Insley-Astley syndrome. Identifiers: Orphanet 1427, MedGen CN034493, MONDO:0044206, OMIM 215150.
Fibrochondrogenesis 2 (FBCG2). Identifiers: Orphanet 2021, MedGen C3281128, MONDO:0013795, OMIM 614524.

Allele frequency attached by ClinVar (database versions not stated): gnomAD exomes 0.00144 and 0.00539; gnomAD 0.00186 and 0.00296; ExAC 0.00503; 1000 Genomes Project 30x 0.01515; ESP Exome Variant Server 0.00031; 1000 Genomes Project 0.01657; TOPMed 0.00282.
gnomAD v4.1: 3,335 of 1,613,058 alleles (0.21%); highest among the groups gnomAD compares: East Asian, 3.1%; 238 homozygotes.

Submissions (8):

Women's Health and Genetics/Laboratory Corporation of America, LabCorp
Classification: Benign. Last evaluated: 2026-05-11. Review status: criteria provided, single submitter. Criteria: LabCorp Variant Classification Summary - May 2015. Collection method: clinical testing. Allele origin: germline.

Labcorp Genetics (formerly Invitae), Labcorp
Classification: Benign. Last evaluated: 2026-02-02. Review status: criteria provided, single submitter. Criteria: Invitae Variant Classification Sherloc (09022015). Collection method: clinical testing. Allele origin: germline.

ARUP Laboratories, Molecular Genetics and Genomics, ARUP Laboratories
Classification: Benign. Last evaluated: 2023-11-03. Review status: criteria provided, single submitter. Criteria: ARUP Molecular Germline Variant Investigation Process 2024. Collection method: clinical testing. Allele origin: germline.

Illumina Laboratory Services, Illumina
Classification: Benign for Fibrochondrogenesis 2. Last evaluated: 2018-01-13. Review status: criteria provided, single submitter. Criteria: ICSL Variant Classification Criteria 13 December 2019. Collection method: clinical testing. Allele origin: germline.
Comment: This variant was observed in the ICSL laboratory as part of a predisposition screen in an ostensibly healthy population. It had not been previously curated by ICSL or reported in the Human Gene Mutation Database (HGMD: prior to June 1st, 2018), and was therefore a candidate for classification through an automated scoring system. Utilizing variant allele frequency, disease prevalence and penetrance estimates, and inheritance mode, an automated score was calculated to assess if this variant is too frequent to cause the disease. Based on the score and internal cut-off values, a variant classified as benign is not then subjected to further curation. The score for this variant resulted in a classification of benign for this disease.

Illumina Laboratory Services, Illumina
Classification: Benign for Otospondylomegaepiphyseal dysplasia, autosomal recessive. Last evaluated: 2018-01-13. Review status: criteria provided, single submitter. Criteria: ICSL Variant Classification Criteria 13 December 2019. Collection method: clinical testing. Allele origin: germline.
Comment: the same text as in the submission from Illumina Laboratory Services, Illumina above.

GeneDx
Classification: Benign. Last evaluated: 2017-06-15. Review status: criteria provided, single submitter. Criteria: GeneDx Variant Classification (06012015). Collection method: clinical testing. Allele origin: germline. Affected: yes.
Comment: This variant is considered likely benign or benign based on one or more of the following criteria: it is a conservative change, it occurs at a poorly conserved position in the protein, it is predicted to be benign by multiple in silico algorithms, and/or has population frequency not consistent with disease.

Laboratory for Molecular Medicine, Mass General Brigham Personalized Medicine
Classification: Benign. Last evaluated: 2015-08-12. Review status: criteria provided, single submitter. Criteria: LMM Criteria. Collection method: clinical testing. Allele origin: germline. Observed: 11 variant alleles.
Comment: c.4392+12C>T in Intron 60 of COL11A2: This variant is not expected to have clini cal significance because it is not located within the conserved splice consensus sequence and has been identified in 4.9% (417/8580) of East Asian chromosomes by the Exome Aggregation Consortium (ExAC; dbSNP rs117267045).

Breakthrough Genomics
Classification: Likely benign. Review status: criteria provided, single submitter. Criteria: ACMG Guidelines, 2015. Collection method: not provided. Allele origin: germline. Inheritance: Autosomal recessive inheritance. Affected: yes.

NM_080680.3(COL11A2):c.4392+12C>T

Gene: COL11A2 (collagen type XI alpha 2 chain; minus strand). Cytogenetic location: 6p21.32.
Variant type: single nucleotide variant.
Coding change: c.4392+12C>T on transcript NM_080680.3 (MANE Select); 12 bases into the intron after coding-DNA position 4392, C replaced by T.
Molecular consequence: intron variant.
Genome position (GRCh38, 1-based): chr6:33,166,501, G>A on the plus strand (C>T on the coding strand, the complement: COL11A2 is on the minus strand). VCF-style: chr6-33166501-G-A. GRCh37 (hg19) VCF-style: chr6-33134278-G-A.
Other names: c.4071+12C>T (NM_080679.3); c.4134+12C>T (NM_080681.3).
Identifiers: ClinVar variation 226538 (VCV000226538.20), dbSNP rs117267045, ClinGen allele CA3750112.